The following is an entry in ClinVar:

ClinVar aggregate classification (germline): Pathogenic (1 of 4 stars; one submission).

Conditions:
Duchenne muscular dystrophy (DMD). Also called: Duchenne Muscular Dystrophy (DMD); MUSCULAR DYSTROPHY, PSEUDOHYPERTROPHIC PROGRESSIVE, DUCHENNE TYPE. Identifiers: Orphanet 98896, MedGen C0013264, MONDO:0010679, OMIM 310200.

Submission:

Labcorp Genetics (formerly Invitae), Labcorp
Classification: Pathogenic for Duchenne muscular dystrophy. Last evaluated: 2022-07-18. Review status: criteria provided, single submitter. Criteria: Invitae Variant Classification Sherloc (09022015). Collection method: clinical testing. Allele origin: germline.
Comment: This variant is a gross deletion of the genomic region encompassing exon(s) 64-79 of the DMD gene, which includes the termination codon. This deletion extends beyond the assayed region for this gene and therefore may encompass additional genes. While this deletion is not anticipated to lead to nonsense mediated decay, it is expected to alter mRNA translation or result in a truncated protein product. A similar copy number variant has been observed in individual(s) with Duchenne muscular dystrophy (PMID: 19937601). This variant disrupts a region of the DMD protein in which other variant(s) (p.Cys3313Phe) have been determined to be pathogenic (PMID: 12632325, 24302611; Invitae). This suggests that this is a clinically significant region of the protein, and that variants that disrupt it are likely to be disease-causing. For these reasons, this variant has been classified as Pathogenic.

Literature cited by the submitters: PubMed 19937601; PubMed 12632325; PubMed 24302611.

NC_000023.10:g.(?_28807451)_(31241248_?)del

Genes: DMD (dystrophin; minus strand), FTHL17 (ferritin heavy chain like 17; minus strand), MAGEB4 (MAGE family member B4; plus strand), GK (glycerol kinase; plus strand), IL1RAPL1 (interleukin 1 receptor accessory protein like 1; plus strand) and 6 more. Cytogenetic location: Xp21.3-21.2.
Variant type: Deletion.
Identifiers: ClinVar variation 2424934 (VCV002424934.5).